The following is an entry in ClinVar:

ClinVar aggregate classification (germline): Pathogenic/Likely pathogenic. Review status: criteria provided, multiple submitters, no conflicts (2 of 4 stars). 3 submissions from 3 submitters: Pathogenic (1); Likely pathogenic (2). Last evaluated 2025-07-16.

Conditions:
Ehlers-Danlos syndrome, classic type, 1 (EDSCL1). Also called: Ehlers-Danlos syndrome, type 1; EDS I; EHLERS-DANLOS SYNDROME, GRAVIS TYPE; EHLERS-DANLOS SYNDROME, SEVERE CLASSIC TYPE; Ehlers-Danlos Syndrome, Classic Type, COL5A1-Related. Identifiers: MedGen C0268335, MONDO:0019567, OMIM 130000.
Osteogenesis imperfecta type I (OI1). Also called: Osteogenesis imperfecta type 1; Lobstein's Disease; OI, TYPE I; OSTEOGENESIS IMPERFECTA TARDA; OSTEOGENESIS IMPERFECTA WITH BLUE SCLERAE; Lobstein disease. Identifiers: Orphanet 216796, Orphanet 666, MedGen C0023931, MONDO:0008146, OMIM 166200. Disease mechanism: loss of function.
Osteogenesis imperfecta type III (OI3). Also called: Osteogenesis imperfecta type 3; OI type 3; Osteogenesis imperfecta, progressively deforming with normal sclerae; OI type III; Progressively Deforming Osteogenesis Imperfecta. Identifiers: Orphanet 216812, Orphanet 666, MedGen C0268362, MONDO:0009804, OMIM 259420.

Submissions (3):

Clinical Biomedical Laboratory, Shriners Hospital For Children - Canada
Classification: Pathogenic for Osteogenesis imperfecta type III. Last evaluated: 2025-07-16. Review status: criteria provided, single submitter. Criteria: ACMG Guidelines, 2015. Collection method: clinical testing. Allele origin: germline. Affected: yes.
Comment: This variant is predicted to substitute a glycine residue by an aspartic acid residue in the alpha 2 chain of collagen type I. Glycine substitutions in the triple helical domain of collagen type I cause disruption in the formation of the triple helix in the collagen molecule and are a typical cause of osteogenesis imperfecta. This variant is absent from the Genome Aggregation Database v.2.1.1, indicating it is very rare. Prediction tools (REVEL: 0.98) suggest that the change is detrimental to protein function.

Labcorp Genetics (formerly Invitae), Labcorp
Classification: Likely pathogenic for Osteogenesis imperfecta type I; Ehlers-Danlos syndrome, classic type, 1. Last evaluated: 2021-08-27. Review status: criteria provided, single submitter. Criteria: Invitae Variant Classification Sherloc (09022015). Collection method: clinical testing. Allele origin: germline.

CeGaT Center for Human Genetics Tuebingen
Classification: Likely pathogenic. Last evaluated: 2020-02-01. Review status: criteria provided, single submitter. Criteria: CeGaT Center For Human Genetics Tuebingen Variant Classification Criteria Version 2. Collection method: clinical testing. Allele origin: germline. Affected: yes. Observed: 1 variant allele.

NM_000089.4(COL1A2):c.785G>A (p.Gly262Asp)

Gene: COL1A2 (collagen type I alpha 2 chain; plus strand). Cytogenetic location: 7q21.3.
Variant type: single nucleotide variant.
Coding change: c.785G>A on transcript NM_000089.4 (MANE Select); coding-DNA position 785, G replaced by A.
Protein change: p.Gly262Asp; replaces glycine 262 with aspartic acid.
Molecular consequence: missense variant.
Genome position (GRCh38, 1-based): chr7:94,408,816, G>A. VCF-style: chr7-94408816-G-A. GRCh37 (hg19) VCF-style: chr7-94038128-G-A.
Other names: short protein forms G262D.
Identifiers: ClinVar variation 916359 (VCV000916359.43), dbSNP rs1791858238, ClinGen allele CA368220515.